The following is an entry in ClinVar:

ClinVar aggregate classification (germline): Uncertain significance (1 of 4 stars; one submission).

Conditions:
Naxos disease (NXD). Also called: KERATOSIS PALMOPLANTARIS WITH ARRHYTHMOGENIC CARDIOMYOPATHY; WOOLLY HAIR, PALMOPLANTAR KERATODERMA, AND CARDIAC ABNORMALITIES; CARDIOMYOPATHY, ARRHYTHMOGENIC RIGHT VENTRICULAR, WITH SKIN, HAIR, AND NAIL ABNORMALITIES; MAL DE NAXOS; PALMOPLANTAR KERATODERMA WITH ARRHYTHMOGENIC RIGHT VENTRICULAR CARDIOMYOPATHY AND WOOLLY HAIR. Identifiers: Orphanet 34217, MedGen C1832600, MONDO:0011017, OMIM 601214.
Arrhythmogenic right ventricular dysplasia 12. Also called: ARRHYTHMOGENIC RIGHT VENTRICULAR DYSPLASIA, FAMILIAL, 12. Identifiers: MedGen C1969081, MONDO:0012684, OMIM 611528.

Submission:

Labcorp Genetics (formerly Invitae), Labcorp
Classification: Uncertain significance for Arrhythmogenic right ventricular dysplasia 12; Naxos disease. Last evaluated: 2023-10-13. Review status: criteria provided, single submitter. Criteria: Invitae Variant Classification Sherloc (09022015). Collection method: clinical testing. Allele origin: germline.
Comment: This sequence change replaces alanine, which is neutral and non-polar, with valine, which is neutral and non-polar, at codon 202 of the JUP protein (p.Ala202Val). This variant is not present in population databases (gnomAD no frequency). This variant has not been reported in the literature in individuals affected with JUP-related conditions. ClinVar contains an entry for this variant (Variation ID: 1404280). An algorithm developed to predict the effect of missense changes on protein structure and function (PolyPhen-2) suggests that this variant is likely to be tolerated. In summary, the available evidence is currently insufficient to determine the role of this variant in disease. Therefore, it has been classified as a Variant of Uncertain Significance.

NM_002230.4(JUP):c.605C>T (p.Ala202Val)

Gene: JUP (junction plakoglobin; minus strand). Cytogenetic location: 17q21.2.
Variant type: single nucleotide variant.
Coding change: c.605C>T on transcript NM_002230.4 (MANE Select); coding-DNA position 605, C replaced by T.
Protein change: p.Ala202Val; replaces alanine 202 with valine.
Molecular consequence: missense variant.
Genome position (GRCh38, 1-based): chr17:41,769,071, G>A on the plus strand (C>T on the coding strand, the complement: JUP is on the minus strand). VCF-style: chr17-41769071-G-A. GRCh37 (hg19) VCF-style: chr17-39925323-G-A.
Other names: c.605C>T, p.Ala202Val (NM_001352773.2, NM_001352774.2, NM_001352775.2 and 3 more transcripts); short protein forms A202V.
Identifiers: ClinVar variation 1404280 (VCV001404280.8), dbSNP rs782337928, ClinGen allele CA399503001.